The following is an entry in ClinVar:

NM_006950.3(SYN1):c.838-8T>G

Gene: SYN1 (synapsin I; minus strand). Cytogenetic location: Xp11.3.
Variant type: single nucleotide variant.
Coding change: c.838-8T>G on transcript NM_006950.3 (MANE Select); 8 bases into the intron before coding-DNA position 838, T replaced by G.
Molecular consequence: intron variant.
Genome position (GRCh38, 1-based): chrX:47,576,648, A>C on the plus strand (T>G on the coding strand, the complement: SYN1 is on the minus strand). VCF-style: chrX-47576648-A-C. GRCh37 (hg19) VCF-style: chrX-47436047-A-C.
Other names: c.838-8T>G (NM_133499.2).
Identifiers: ClinVar variation 130385 (VCV000130385.18), dbSNP rs12394306, ClinGen allele CA289055.
Genomic context (GRCh38, chrX:47,576,648, plus strand): 5'-AGTGCCACGACACTTGCGATGTCCTGGAAGTCATGCTGGTTGTCAACCTTGACCTGTGGA[A>C]GTGCGGGCAAGGATCAGGGCCTGGTCAGGATAGGGCAGCTGTGGGGAGTGGGGGTGCCTG-3'

ClinVar aggregate classification (germline): Benign. Review status: criteria provided, multiple submitters, no conflicts (2 of 4 stars). 4 submissions from 4 submitters: Benign (3). 1 of the submissions does not count toward it. Last evaluated 2026-02-03.

Conditions:
Epilepsy, X-linked 1, with variable learning disabilities and behavior disorders. Also called: X-linked epilepsy-learning disabilities-behavior disorders syndrome. Identifiers: Orphanet 85294, MedGen C5774177, MONDO:0010339, OMIM 300491.

Allele frequency attached by ClinVar (database versions not stated): gnomAD exomes 0.00147 and 0.00425; ExAC 0.00545; gnomAD 0.01234; TOPMed 0.01671; ESP Exome Variant Server 0.01874; 1000 Genomes Project 0.01881; 1000 Genomes Project 30x 0.01956.

Submissions (5):

Labcorp Genetics (formerly Invitae), Labcorp
Classification: Benign for Epilepsy, X-linked 1, with variable learning disabilities and behavior disorders. Last evaluated: 2026-02-03. Review status: criteria provided, single submitter. Criteria: Invitae Variant Classification Sherloc (09022015). Collection method: clinical testing. Allele origin: germline.

Athena Diagnostics
Classification: Benign. Last evaluated: 2017-09-30. Review status: criteria provided, single submitter. Criteria: Athena Diagnostics Criteria. Collection method: clinical testing. Allele origin: germline.

GeneDx
Classification: Benign. Last evaluated: 2012-12-13. Review status: criteria provided, single submitter. Criteria: GeneDx Variant Classification (06012015). Collection method: clinical testing. Allele origin: germline. Affected: yes.
Comment: This variant is considered likely benign or benign based on one or more of the following criteria: it is a conservative change, it occurs at a poorly conserved position in the protein, it is predicted to be benign by multiple in silico algorithms, and/or has population frequency not consistent with disease.

Dr. Peter K. Rogan Lab, Western University
No classification provided (evidence only). Condition: Cholangiocarcinoma. Review status: no classification provided. Collection method: in vitro. Allele origin: not applicable. Functional consequence: retained intron. Not counted in ClinVar's aggregate classification.

Genetic Services Laboratory, University of Chicago
Classification: Likely benign for AllHighlyPenetrant. Review status: no assertion criteria provided. Collection method: clinical testing. Allele origin: germline. Inheritance: X-linked inheritance. Not counted in ClinVar's aggregate classification.
Comment: Likely benign based on allele frequency in 1000 Genomes Project or ESP global frequency and its presence in a patient with a rare or unrelated disease phenotype. NOT Sanger confirmed.